The following is an entry in ClinVar:

NM_001258392.3(CLPB):c.1858C>T (p.Arg620Cys)

Gene: CLPB (ClpB family mitochondrial disaggregase; minus strand). Cytogenetic location: 11q13.4.
Variant type: single nucleotide variant.
Coding change: c.1858C>T on transcript NM_001258392.3 (MANE Select); coding-DNA position 1858, C replaced by T.
Protein change: p.Arg620Cys; replaces arginine 620 with cysteine.
Molecular consequence: missense variant.
Genome position (GRCh38, 1-based): chr11:72,293,543, G>A on the plus strand (C>T on the coding strand, the complement: CLPB is on the minus strand). VCF-style: chr11-72293543-G-A. GRCh37 (hg19) VCF-style: chr11-72004587-G-A.
Other names: c.1771C>T, p.Arg591Cys (NM_001258393.3); c.1813C>T, p.Arg605Cys (NM_001258394.3); c.1948C>T, p.Arg650Cys (NM_030813.6); c.1948C>T (NM_030813.3); short protein forms R620C, R605C, R591C, R650C.
Identifiers: ClinVar variation 2183198 (VCV002183198.6), dbSNP rs777140183, ClinGen allele CA6171008.

ClinVar aggregate classification (germline): Uncertain significance. Review status: criteria provided, multiple submitters, no conflicts (2 of 4 stars). 3 submissions from 3 submitters: Uncertain significance (3). Last evaluated 2025-12-08.

Conditions:
3-methylglutaconic aciduria, type VIIB (MGCA7B). Also called: CLPB Deficiency; 3-methylglutaconic aciduria with cataracts, neurologic involvement and neutropenia; 3-methylglutaconic aciduria, type VII, with cataracts, neurologic involvement and neutropenia. Identifiers: Orphanet 445038, MedGen C5676893, MONDO:0014561, OMIM 616271.
Inborn genetic diseases. Identifiers: MedGen C0950123, MeSH D030342.

Allele frequency attached by ClinVar (database versions not stated): ExAC 0.00003; gnomAD 0.00003; TOPMed 0.00004.
gnomAD v4.1: 36 of 1,613,976 alleles (0.0022%); highest among the groups gnomAD compares: South Asian, 0.0099%; no homozygotes.

Submissions (3):

Ambry Genetics
Classification: Uncertain significance for Inborn genetic diseases. Last evaluated: 2025-12-08. Review status: criteria provided, single submitter. Criteria: Ambry Variant Classification Scheme 2023. Collection method: clinical testing. Allele origin: germline.

Labcorp Genetics (formerly Invitae), Labcorp
Classification: Uncertain significance for 3-methylglutaconic aciduria, type VIIB. Last evaluated: 2025-10-12. Review status: criteria provided, single submitter. Criteria: Invitae Variant Classification Sherloc (09022015). Collection method: clinical testing. Allele origin: germline.
Comment: This sequence change replaces arginine, which is basic and polar, with cysteine, which is neutral and slightly polar, at codon 650 of the CLPB protein (p.Arg650Cys). This variant is present in population databases (rs777140183, gnomAD 0.01%). This variant has not been reported in the literature in individuals affected with CLPB-related conditions. ClinVar contains an entry for this variant (Variation ID: 2183198). An algorithm developed to predict the effect of missense changes on protein structure and function (PolyPhen-2) suggests that this variant is likely to be disruptive. In summary, the available evidence is currently insufficient to determine the role of this variant in disease. Therefore, it has been classified as a Variant of Uncertain Significance.

Revvity Omics, Revvity
Classification: Uncertain significance. Last evaluated: 2024-10-01. Review status: criteria provided, single submitter. Criteria: ACMG Guidelines, 2015. Collection method: clinical testing. Allele origin: germline.